The following is an entry in ClinVar:

NM_032730.5(RTN4IP1):c.302T>G (p.Met101Arg)

Gene: RTN4IP1 (reticulon 4 interacting protein 1; minus strand). Cytogenetic location: 6q21.
Variant type: single nucleotide variant.
Coding change: c.302T>G on transcript NM_032730.5 (MANE Select); coding-DNA position 302, T replaced by G.
Protein change: p.Met101Arg; replaces methionine 101 with arginine.
Molecular consequence: missense variant. On other transcripts: initiator codon variant (1).
Genome position (GRCh38, 1-based): chr6:106,622,942, A>C on the plus strand (T>G on the coding strand, the complement: RTN4IP1 is on the minus strand). VCF-style: chr6-106622942-A-C. GRCh37 (hg19) VCF-style: chr6-107070817-A-C.
Other names: c.2T>G, p.Met1Arg (NM_001318746.1); short protein forms M101R, M1R.
Identifiers: ClinVar variation 837258 (VCV000837258.11), dbSNP rs1329965825, ClinGen allele CA365166390.

ClinVar aggregate classification (germline): Uncertain significance (1 of 4 stars; one submission).

Allele frequency attached by ClinVar (database versions not stated): gnomAD exomes 0.00001.

Submission:

Labcorp Genetics (formerly Invitae), Labcorp
Classification: Uncertain significance. Last evaluated: 2022-10-13. Review status: criteria provided, single submitter. Criteria: Invitae Variant Classification Sherloc (09022015). Collection method: clinical testing. Allele origin: germline.
Comment: This sequence change replaces methionine, which is neutral and non-polar, with arginine, which is basic and polar, at codon 101 of the RTN4IP1 protein (p.Met101Arg). This variant is present in population databases (no rsID available, gnomAD 0.01%). This variant has not been reported in the literature in individuals affected with RTN4IP1-related conditions. ClinVar contains an entry for this variant (Variation ID: 837258). Algorithms developed to predict the effect of missense changes on protein structure and function are either unavailable or do not agree on the potential impact of this missense change (SIFT: "Deleterious"; PolyPhen-2: "Benign"; Align-GVGD: "Class C0"). In summary, the available evidence is currently insufficient to determine the role of this variant in disease. Therefore, it has been classified as a Variant of Uncertain Significance.